The following is an entry in ClinVar:

ClinVar aggregate classification (germline): Uncertain significance (1 of 4 stars; one submission).

gnomAD v4.1: 1 of 1,613,780 alleles (0.000062%); highest among the groups gnomAD compares: African/African-American, 0.0013%; no homozygotes.

Submission:

Labcorp Genetics (formerly Invitae), Labcorp
Classification: Uncertain significance. Last evaluated: 2024-02-29. Review status: criteria provided, single submitter. Criteria: Invitae Variant Classification Sherloc (09022015). Collection method: clinical testing. Allele origin: germline.
Comment: This sequence change replaces threonine, which is neutral and polar, with alanine, which is neutral and non-polar, at codon 3561 of the HMCN1 protein (p.Thr3561Ala). This variant is not present in population databases (gnomAD no frequency). This variant has not been reported in the literature in individuals affected with HMCN1-related conditions. An algorithm developed to predict the effect of missense changes on protein structure and function (PolyPhen-2) suggests that this variant is likely to be disruptive. In summary, the available evidence is currently insufficient to determine the role of this variant in disease. Therefore, it has been classified as a Variant of Uncertain Significance.

NM_031935.3(HMCN1):c.10681A>G (p.Thr3561Ala)

Gene: HMCN1 (hemicentin 1; plus strand). Cytogenetic location: 1q31.1.
Variant type: single nucleotide variant.
Coding change: c.10681A>G on transcript NM_031935.3 (MANE Select); coding-DNA position 10681, A replaced by G.
Protein change: p.Thr3561Ala; replaces threonine 3561 with alanine.
Molecular consequence: missense variant.
Genome position (GRCh38, 1-based): chr1:186,103,579, A>G. VCF-style: chr1-186103579-A-G. GRCh37 (hg19) VCF-style: chr1-186072711-A-G.
Other names: short protein forms T3561A.
Identifiers: ClinVar variation 3642789 (VCV003642789.2).